The following is an entry in ClinVar:

NM_022124.6(CDH23):c.1213G>A (p.Val405Ile)

Gene: CDH23 (cadherin related 23; plus strand). Cytogenetic location: 10q22.1.
Variant type: single nucleotide variant.
Coding change: c.1213G>A on transcript NM_022124.6 (MANE Select); coding-DNA position 1213, G replaced by A.
Protein change: p.Val405Ile; replaces valine 405 with isoleucine.
Molecular consequence: missense variant.
Genome position (GRCh38, 1-based): chr10:71,645,903, G>A. VCF-style: chr10-71645903-G-A. GRCh37 (hg19) VCF-style: chr10-73405660-G-A.
Other names: c.1213G>A, p.Val405Ile (NM_001171930.2, NM_001171931.2, NM_052836.4); short protein forms V405I.
Identifiers: ClinVar variation 852140 (VCV000852140.32), dbSNP rs370549448, ClinGen allele CA5543733.

ClinVar aggregate classification (germline): Conflicting classifications of pathogenicity. Review status: criteria provided, conflicting classifications (1 of 4 stars). 7 submissions from 7 submitters: Uncertain significance (4); Likely benign (1). 2 of the submissions do not count toward it. Last evaluated 2026-09-01.

Conditions:
CDH23-related disorder. Also called: CDH23-related condition; CDH23-related disorders.
Retinal dystrophy. Also called: Inherited retinal dystrophy. Identifiers: Orphanet 71862, MedGen C0854723, MeSH D058499, MONDO:0019118, HP:0000556.
Pituitary adenoma 5, multiple types. Identifiers: MedGen C4539685, MONDO:0054601, OMIM 617540.
Usher syndrome type 1D (USH1D). Also called: USHER SYNDROME, TYPE ID. Identifiers: Orphanet 231169, Orphanet 886, MedGen C1832845, MONDO:0010984, OMIM 601067.
Autosomal recessive nonsyndromic hearing loss 12. Also called: DEAFNESS, AUTOSOMAL RECESSIVE 12. Identifiers: Orphanet 90636, MedGen C1832394, MONDO:0011067, OMIM 601386.
Usher syndrome type 1 (USH1). Also called: RETINITIS PIGMENTOSA AND CONGENITAL DEAFNESS. Identifiers: Orphanet 231169, Orphanet 886, MedGen C1568247, MONDO:0010168, OMIM 276900.

Allele frequency attached by ClinVar (database versions not stated): gnomAD exomes 0.00006 and 0.00008; ExAC 0.00007; gnomAD 0.00007 and 0.00009; ESP Exome Variant Server 0.00008; TOPMed 0.00009.
gnomAD v4.1: 103 of 1,613,450 alleles (0.0064%); highest among the groups gnomAD compares: Middle Eastern, 0.049%; no homozygotes.

Submissions (7):

GeneDx
Classification: Uncertain significance. Last evaluated: 2026-09-01. Review status: criteria provided, single submitter. Criteria: GeneDx Variant Classification Process June 2021. Collection method: clinical testing. Allele origin: germline.
Comment: In silico analysis suggests that this missense variant does not alter protein structure/function; Has not been previously published as pathogenic or benign to our knowledge

PreventionGenetics, part of Exact Sciences
Classification: Uncertain significance for CDH23-related condition. Last evaluated: 2025-12-23. Review status: criteria provided, single submitter. Criteria: ACMG Guidelines, 2015. Collection method: clinical testing. Allele origin: germline.
Comment: The CDH23 c.1213G>A variant is predicted to result in the amino acid substitution p.Val405Ile. To our knowledge, this variant has not been reported in the literature. This variant is reported in 0.013% of alleles in individuals of South Asian descent in gnomAD. At this time, the clinical significance of this variant is uncertain due to the absence of conclusive functional and genetic evidence.

Labcorp Genetics (formerly Invitae), Labcorp
Classification: Uncertain significance. Last evaluated: 2024-01-25. Review status: criteria provided, single submitter. Criteria: Invitae Variant Classification Sherloc (09022015). Collection method: clinical testing. Allele origin: germline.
Comment: This sequence change replaces valine, which is neutral and non-polar, with isoleucine, which is neutral and non-polar, at codon 405 of the CDH23 protein (p.Val405Ile). This variant is present in population databases (rs370549448, gnomAD 0.01%). This variant has not been reported in the literature in individuals affected with CDH23-related conditions. ClinVar contains an entry for this variant (Variation ID: 852140). Advanced modeling of protein sequence and biophysical properties (such as structural, functional, and spatial information, amino acid conservation, physicochemical variation, residue mobility, and thermodynamic stability) performed at Invitae indicates that this missense variant is not expected to disrupt CDH23 protein function with a negative predictive value of 95%. In summary, the available evidence is currently insufficient to determine the role of this variant in disease. Therefore, it has been classified as a Variant of Uncertain Significance.

CeGaT Center for Human Genetics Tuebingen
Classification: Likely benign. Last evaluated: 2022-10-01. Review status: criteria provided, single submitter. Criteria: CeGaT Center For Human Genetics Tuebingen Variant Classification Criteria Version 2. Collection method: clinical testing. Allele origin: germline. Affected: yes. Observed: 1 variant allele.
Comment: CDH23: BP4

Fulgent Genetics
Classification: Uncertain significance for Usher syndrome type 1D; Autosomal recessive nonsyndromic hearing loss 12; Pituitary adenoma 5, multiple types. Last evaluated: 2021-09-16. Review status: criteria provided, single submitter. Criteria: ACMG Guidelines, 2015. Collection method: clinical testing. Allele origin: unknown.

Institute of Human Genetics, Univ. Regensburg, Univ. Regensburg
Classification: Uncertain significance for Retinal dystrophy. Last evaluated: 2022-01-01. Review status: no assertion criteria provided. Criteria: ACMG Guidelines, 2015. Collection method: clinical testing. Allele origin: germline. Affected: yes. Not counted in ClinVar's aggregate classification.

Natera, Inc.
Classification: Uncertain significance for Usher syndrome type 1. Last evaluated: 2020-01-24. Review status: no assertion criteria provided. Collection method: clinical testing. Allele origin: germline. Not counted in ClinVar's aggregate classification.